The following is an entry in ClinVar:

NM_021922.3(FANCE):c.1276A>G (p.Met426Val)

Gene: FANCE (FA complementation group E; plus strand). Cytogenetic location: 6p21.31.
Variant type: single nucleotide variant.
Coding change: c.1276A>G on transcript NM_021922.3 (MANE Select); coding-DNA position 1276, A replaced by G.
Protein change: p.Met426Val; replaces methionine 426 with valine.
Molecular consequence: missense variant.
Genome position (GRCh38, 1-based): chr6:35,459,720, A>G. VCF-style: chr6-35459720-A-G. GRCh37 (hg19) VCF-style: chr6-35427497-A-G.
Other names: short protein forms M426V.
Identifiers: ClinVar variation 1350573 (VCV001350573.7), dbSNP rs764652720, ClinGen allele CA137301291.
Genomic context (GRCh38, chr6:35,459,720, plus strand): 5'-CCTTCTGCTGTCCTCTACCCAGGTCCTGCTCAAACAGAGTTACTGTGTTGCCTTGTGAAG[A>G]TGGAGTCCCTGGAGCCAGATGCACAGGTTCTAATGCTGGGGTGAGTGTGCAGGCCTCCGT-3'
Protein context (NP_068741.1, residues 416-436): QTELLCCLVK[Met426Val]ESLEPDAQVL

ClinVar aggregate classification (germline): Uncertain significance. Review status: criteria provided, multiple submitters, no conflicts (2 of 4 stars). 3 submissions from 3 submitters: Uncertain significance (3). Last evaluated 2024-03-27.

Conditions:
Fanconi anemia complementation group E (FANCE). Also called: FANCE-Related Fanconi Anemia. Identifiers: Orphanet 84, MedGen C3160739, MONDO:0010953, OMIM 600901.
Fanconi anemia (FA). Also called: Fanconi's anemia. Identifiers: Orphanet 84, MedGen C0015625, MeSH D005199, MONDO:0019391.

Allele frequency attached by ClinVar (database versions not stated): gnomAD exomes below 0.00001 and 0.00003.
gnomAD v4.1: 37 of 1,614,080 alleles (0.0023%); highest among the groups gnomAD compares: Admixed American, 0.005%; no homozygotes.

Submissions (3):

Fulgent Genetics
Classification: Uncertain significance for Fanconi anemia complementation group E. Last evaluated: 2024-03-27. Review status: criteria provided, single submitter. Criteria: ACMG Guidelines, 2015. Collection method: clinical testing. Allele origin: germline.

Labcorp Genetics (formerly Invitae), Labcorp
Classification: Uncertain significance for Fanconi anemia complementation group E. Last evaluated: 2022-09-12. Review status: criteria provided, single submitter. Criteria: Invitae Variant Classification Sherloc (09022015). Collection method: clinical testing. Allele origin: germline.
Comment: This sequence change replaces methionine, which is neutral and non-polar, with valine, which is neutral and non-polar, at codon 426 of the FANCE protein (p.Met426Val). This variant is present in population databases (rs764652720, gnomAD 0.003%). This variant has not been reported in the literature in individuals affected with FANCE-related conditions. ClinVar contains an entry for this variant (Variation ID: 1350573). Algorithms developed to predict the effect of missense changes on protein structure and function (SIFT, PolyPhen-2, Align-GVGD) all suggest that this variant is likely to be tolerated. Algorithms developed to predict the effect of sequence changes on RNA splicing suggest that this variant may create or strengthen a splice site. In summary, the available evidence is currently insufficient to determine the role of this variant in disease. Therefore, it has been classified as a Variant of Uncertain Significance.

Sema4
Classification: Uncertain significance for Fanconi anemia. Last evaluated: 2021-04-04. Review status: criteria provided, single submitter. Criteria: Sema4 Curation Guidelines. Collection method: curation. Allele origin: germline.
Comment: The FANCE c.1276A>G (p.M426V) variant has not been reported in the literature to our knowledge. It was observed in 1/34592 chromosomes of the Latino subpopulation in the large and broad cohorts of the Genome Aggregation Database (PMID: 32461654). The variant has not been reported in ClinVar. In silico tools suggest the impact of the variant on protein function is benign, though these predictions have not been confirmed by functional studies. The evidence is insufficient to meet ACMG/AMP criteria for classifying the variant as benign or pathogenic. Thus, the clinical significance of this variant is currently uncertain.